The following is an entry in ClinVar:

NM_021098.3(CACNA1H):c.5446-9C>A

Gene: CACNA1H (calcium voltage-gated channel subunit alpha1 H; plus strand). Cytogenetic location: 16p13.3.
Variant type: single nucleotide variant.
Coding change: c.5446-9C>A on transcript NM_021098.3 (MANE Select); 9 bases into the intron before coding-DNA position 5446, C replaced by A.
Molecular consequence: intron variant.
Genome position (GRCh38, 1-based): chr16:1,218,201, C>A. VCF-style: chr16-1218201-C-A. GRCh37 (hg19) VCF-style: chr16-1268201-C-A.
Other names: c.5428-9C>A (NM_001005407.2).
Identifiers: ClinVar variation 668320 (VCV000668320.10), dbSNP rs1596475466, ClinGen allele CA915946182.

ClinVar aggregate classification (germline): Likely benign. Review status: criteria provided, multiple submitters, no conflicts (2 of 4 stars). 2 submissions from 2 submitters: Likely benign (2). Last evaluated 2024-02-24.

Conditions:
Idiopathic generalized epilepsy. Also called: Generalised epilepsy; EIG. Identifiers: MedGen C0270850, MONDO:0005579, OMIM 600669.
Hyperaldosteronism, familial, type IV (HALD4). Also called: FH IV; ALDOSTERONISM, PRIMARY, AND HYPERTENSION. Identifiers: Orphanet 642671, MedGen C4310756, MONDO:0014875, OMIM 617027.

Submissions (2):

Labcorp Genetics (formerly Invitae), Labcorp
Classification: Likely benign for Idiopathic generalized epilepsy; Hyperaldosteronism, familial, type IV. Last evaluated: 2024-02-24. Review status: criteria provided, single submitter. Criteria: Invitae Variant Classification Sherloc (09022015). Collection method: clinical testing. Allele origin: germline.

GeneDx
Classification: Likely benign. Last evaluated: 2018-05-22. Review status: criteria provided, single submitter. Criteria: GeneDx Variant Classification (06012015). Collection method: clinical testing. Allele origin: germline. Affected: yes.
Comment: This variant is considered likely benign or benign based on one or more of the following criteria: it is a conservative change, it occurs at a poorly conserved position in the protein, it is predicted to be benign by multiple in silico algorithms, and/or has population frequency not consistent with disease.